The following is an entry in ClinVar:

NM_014875.3(KIF14):c.3376C>T (p.Arg1126Trp)

Gene: KIF14 (kinesin family member 14; minus strand). Cytogenetic location: 1q32.1.
Variant type: single nucleotide variant.
Coding change: c.3376C>T on transcript NM_014875.3 (MANE Select); coding-DNA position 3376, C replaced by T.
Protein change: p.Arg1126Trp; replaces arginine 1126 with tryptophan.
Molecular consequence: missense variant.
Genome position (GRCh38, 1-based): chr1:200,580,343, G>A on the plus strand (C>T on the coding strand, the complement: KIF14 is on the minus strand). VCF-style: chr1-200580343-G-A. GRCh37 (hg19) VCF-style: chr1-200549471-G-A.
Other names: c.1903C>T, p.Arg635Trp (NM_001305792.1); short protein forms R1126W, R635W.
Identifiers: ClinVar variation 1331158 (VCV001331158.2), dbSNP rs749592963, ClinGen allele CA35954863.

ClinVar aggregate classification (germline): Uncertain significance (1 of 4 stars; one submission).

gnomAD v4.1: 15 of 1,519,382 alleles (0.00099%); highest among the groups gnomAD compares: East Asian, 0.0049%; no homozygotes.

Submission:

GeneDx
Classification: Uncertain significance. Last evaluated: 2021-06-30. Review status: criteria provided, single submitter. Criteria: GeneDx Variant Classification Process June 2021. Collection method: clinical testing. Allele origin: germline. Affected: yes.
Comment: Not observed at significant frequency in large population cohorts (Lek et al., 2016); In silico analysis supports that this missense variant has a deleterious effect on protein structure/function; Has not been previously published as pathogenic or benign to our knowledge; This variant is associated with the following publications: (PMID: 27535533)